The following is an entry in ClinVar:

NM_002528.7(NTHL1):c.75G>C (p.Arg25Ser)

Gene: NTHL1 (nth like DNA glycosylase 1; minus strand). Cytogenetic location: 16p13.3.
Variant type: single nucleotide variant.
Coding change: c.75G>C on transcript NM_002528.7 (MANE Select); coding-DNA position 75, G replaced by C.
Protein change: p.Arg25Ser; replaces arginine 25 with serine.
Molecular consequence: missense variant. On other transcripts: 5 prime UTR variant (1).
Genome position (GRCh38, 1-based): chr16:2,047,749, C>G on the plus strand (G>C on the coding strand, the complement: NTHL1 is on the minus strand). VCF-style: chr16-2047749-C-G. GRCh37 (hg19) VCF-style: chr16-2097750-C-G.
Other names: c.75G>C, p.Arg25Ser (NM_001318193.2); c.-104G>C (NM_001318194.2); short protein forms R25S.
Identifiers: ClinVar variation 1440353 (VCV001440353.6), dbSNP rs1274325491, ClinGen allele CA394298368.

ClinVar aggregate classification (germline): Uncertain significance (1 of 4 stars; one submission).

Allele frequency attached by ClinVar (database versions not stated): gnomAD exomes below 0.00001 and 0.00001.
gnomAD v4.1: 1 of 1,586,522 alleles (0.000063%); highest among the groups gnomAD compares: East Asian, 0.0023%; no homozygotes.

Submission:

Labcorp Genetics (formerly Invitae), Labcorp
Classification: Uncertain significance. Last evaluated: 2024-06-05. Review status: criteria provided, single submitter. Criteria: Invitae Variant Classification Sherloc (09022015). Collection method: clinical testing. Allele origin: germline.
Comment: This sequence change replaces arginine, which is basic and polar, with serine, which is neutral and polar, at codon 33 of the NTHL1 protein (p.Arg33Ser). This variant is present in population databases (no rsID available, gnomAD 0.007%). This variant has not been reported in the literature in individuals affected with NTHL1-related conditions. ClinVar contains an entry for this variant (Variation ID: 1440353). An algorithm developed to predict the effect of missense changes on protein structure and function (PolyPhen-2) suggests that this variant is likely to be tolerated. In summary, the available evidence is currently insufficient to determine the role of this variant in disease. Therefore, it has been classified as a Variant of Uncertain Significance.